The following is an entry in ClinVar:

NM_005912.3(MC4R):c.15C>T (p.Thr5=)

Gene: MC4R (melanocortin 4 receptor; minus strand). Cytogenetic location: 18q21.32.
Variant type: single nucleotide variant.
Coding change: c.15C>T on transcript NM_005912.3 (MANE Select); coding-DNA position 15, C replaced by T.
Protein change: p.Thr5=; no amino-acid change (threonine 5 retained).
Molecular consequence: synonymous variant.
Genome position (GRCh38, 1-based): chr18:60,372,335, G>A on the plus strand (C>T on the coding strand, the complement: MC4R is on the minus strand). VCF-style: chr18-60372335-G-A. GRCh37 (hg19) VCF-style: chr18-58039568-G-A.
Identifiers: ClinVar variation 888709 (VCV000888709.8), dbSNP rs199862517, ClinGen allele CA8981006.

ClinVar aggregate classification (germline): Conflicting classifications of pathogenicity. Review status: criteria provided, conflicting classifications (1 of 4 stars). 3 submissions from 3 submitters: Uncertain significance (1); Likely benign (2). Last evaluated 2025-08-02.

Conditions:
MC4R-related disorder. Also called: MC4R-related condition.
Obesity. Also called: Obesity disorder. Identifiers: Orphanet 71529, MedGen C0028754, MeSH D009765, MONDO:0011122, HP:0001513.

Allele frequency attached by ClinVar (database versions not stated): ExAC 0.00001; gnomAD exomes 0.00002; TOPMed 0.00004.
gnomAD v4.1: 31 of 1,613,974 alleles (0.0019%); highest among the groups gnomAD compares: Non-Finnish European, 0.0023%; no homozygotes.

Submissions (3):

Ambry Genetics
Classification: Likely benign. Last evaluated: 2025-08-02. Review status: criteria provided, single submitter. Criteria: Ambry Variant Classification Scheme 2023. Collection method: clinical testing. Allele origin: germline.

PreventionGenetics, part of Exact Sciences
Classification: Likely benign for MC4R-related condition. Last evaluated: 2025-02-17. Review status: criteria provided, single submitter. Criteria: ACMG Guidelines, 2015. Collection method: clinical testing. Allele origin: germline.
Comment: This variant is classified as likely benign based on ACMG/AMP sequence variant interpretation guidelines (Richards et al. 2015 PMID: 25741868, with internal and published modifications).

Illumina Laboratory Services, Illumina
Classification: Uncertain significance for Inherited obesity. Last evaluated: 2017-12-12. Review status: criteria provided, single submitter. Criteria: ICSL Variant Classification Criteria 13 December 2019. Collection method: clinical testing. Allele origin: germline.
Comment: This variant was observed as part of a predisposition screen in an ostensibly healthy population. A literature search was performed for the gene, cDNA change, and amino acid change (where applicable). Publications were found based on this search. However, the evidence from the literature, in combination with allele frequency data from public databases where available, was not sufficient to rule this variant in or out of causing disease. Therefore, this variant is classified as a variant of unknown significance.

Literature cited by the submitters: PubMed 12646666 (cited by Illumina Laboratory Services, Illumina).